The following is an entry in ClinVar:

NM_194454.3(KRIT1):c.29C>G (p.Ala10Gly)

Gene: KRIT1 (KRIT1 ankyrin repeat containing; minus strand). Cytogenetic location: 7q21.2.
Variant type: single nucleotide variant.
Coding change: c.29C>G on transcript NM_194454.3 (MANE Select); coding-DNA position 29, C replaced by G.
Protein change: p.Ala10Gly; replaces alanine 10 with glycine.
Molecular consequence: missense variant. On other transcripts: 5 prime UTR variant (1).
Genome position (GRCh38, 1-based): chr7:92,242,107, G>C on the plus strand (C>G on the coding strand, the complement: KRIT1 is on the minus strand). VCF-style: chr7-92242107-G-C. GRCh37 (hg19) VCF-style: chr7-91871421-G-C.
Other names: c.29C>G, p.Ala10Gly (NM_001350678.1, NM_001350679.1, NM_001350680.1 and 29 more transcripts); c.-555C>G (NM_001350671.1); short protein forms A10G.
Identifiers: ClinVar variation 373134 (VCV000373134.1), dbSNP rs1057518241, ClinGen allele CA16042734.

ClinVar aggregate classification (germline): Uncertain significance (1 of 4 stars; one submission).

Submission:

GeneDx
Classification: Uncertain significance. Last evaluated: 2016-11-22. Review status: criteria provided, single submitter. Criteria: GeneDx Variant Classification (06012015). Collection method: clinical testing. Allele origin: germline. Affected: yes.
Comment: The A10G variant in the KRIT1 gene has not been reported previously as a pathogenic variant, nor as a benign variant, to our knowledge. The A10G variant was not observed in approximately 6500 individuals of European and African American ancestry in the NHLBI Exome Sequencing Project, indicating it is not a common benign variant in these populations. The A10G variant is a conservative amino acid substitution, which is not likely to impact secondary protein structure as these residues share similar properties. This substitution occurs at a position where amino acids with similar properties to Alanine are tolerated across species. In silico analysis predicts this variant is probably damaging to the protein structure/function. We interpret A10G as a variant of uncertain significance